The following is an entry in ClinVar:

NM_173630.4(RTTN):c.6125C>A (p.Ser2042Ter)

Gene: RTTN (rotatin; minus strand). Cytogenetic location: 18q22.2.
Variant type: single nucleotide variant.
Coding change: c.6125C>A on transcript NM_173630.4 (MANE Select); coding-DNA position 6125, C replaced by A.
Protein change: p.Ser2042Ter; replaces serine 2042 with a stop codon.
Molecular consequence: nonsense.
Genome position (GRCh38, 1-based): chr18:70,020,643, G>T on the plus strand (C>A on the coding strand, the complement: RTTN is on the minus strand). VCF-style: chr18-70020643-G-T. GRCh37 (hg19) VCF-style: chr18-67687879-G-T.
Other names: c.3389C>A, p.Ser1130Ter (NM_001318520.2); short protein forms S2042*, S1130*.
Identifiers: ClinVar variation 3694973 (VCV003694973.2).

ClinVar aggregate classification (germline): Pathogenic (1 of 4 stars; one submission).

gnomAD v4.1: 2 of 1,613,796 alleles (0.00012%); highest among the groups gnomAD compares: East Asian, 0.0045%; no homozygotes.

Submission:

Labcorp Genetics (formerly Invitae), Labcorp
Classification: Pathogenic. Last evaluated: 2024-08-14. Review status: criteria provided, single submitter. Criteria: Invitae Variant Classification Sherloc (09022015). Collection method: clinical testing. Allele origin: germline.
Comment: This sequence change creates a premature translational stop signal (p.Ser2042*) in the RTTN gene. It is expected to result in an absent or disrupted protein product. Loss-of-function variants in RTTN are known to be pathogenic (PMID: 26608784, 26846091). This variant is not present in population databases (gnomAD no frequency). This variant has not been reported in the literature in individuals affected with RTTN-related conditions. Algorithms developed to predict the effect of sequence changes on RNA splicing suggest that this variant may disrupt the consensus splice site. For these reasons, this variant has been classified as Pathogenic.

Literature cited by the submitters: PubMed 26608784; PubMed 26846091.